The following is an entry in ClinVar:

NM_006389.5(HYOU1):c.1333A>G (p.Ile445Val)

Genes: HYOU1 (hypoxia up-regulated 1; minus strand), LOC130006884 (ATAC-STARR-seq lymphoblastoid active region 5617; plus strand). Cytogenetic location: 11q23.3.
Variant type: single nucleotide variant.
Coding change: c.1333A>G on transcript NM_006389.5 (MANE Select); coding-DNA position 1333, A replaced by G.
Protein change: p.Ile445Val; replaces isoleucine 445 with valine.
Molecular consequence: missense variant.
Genome position (GRCh38, 1-based): chr11:119,051,824, T>C on the plus strand (A>G on the coding strand, the complement: HYOU1 is on the minus strand). VCF-style: chr11-119051824-T-C. GRCh37 (hg19) VCF-style: chr11-118922536-T-C.
Other names: c.1333A>G, p.Ile445Val (NM_001130991.3, NM_001411041.1); short protein forms I445V.
Identifiers: ClinVar variation 4056786 (VCV004056786.1).

ClinVar aggregate classification (germline): Uncertain significance (1 of 4 stars; one submission).

Conditions:
Granulocytopenia with immunoglobulin abnormality. Identifiers: MedGen C1856263, MONDO:0009305, OMIM 233600.

gnomAD v4.1: 1 of 1,614,128 alleles (0.000062%); highest among the groups gnomAD compares: Non-Finnish European, 0.000085%; no homozygotes.

Submission:

Laboratorio de Genetica e Diagnostico Molecular, Hospital Israelita Albert Einstein
Classification: Uncertain significance for Granulocytopenia with immunoglobulin abnormality. Last evaluated: 2023-08-25. Review status: criteria provided, single submitter. Criteria: ACMG Guidelines, 2015. Collection method: clinical testing. Allele origin: germline. Affected: yes.
Comment: ACMG classification criteria: PM2 moderate, BP4 supporting